The following is an entry in ClinVar:

NM_005902.4(SMAD3):c.1070A>G (p.Asn357Ser)

Gene: SMAD3 (SMAD family member 3; plus strand). Cytogenetic location: 15q22.33.
Variant type: single nucleotide variant.
Coding change: c.1070A>G on transcript NM_005902.4 (MANE Select); coding-DNA position 1070, A replaced by G.
Protein change: p.Asn357Ser; replaces asparagine 357 with serine.
Molecular consequence: missense variant.
Genome position (GRCh38, 1-based): chr15:67,187,425, A>G. VCF-style: chr15-67187425-A-G. GRCh37 (hg19) VCF-style: chr15-67479763-A-G.
Other names: p.N357S:AAC>AGC; c.755A>G, p.Asn252Ser (NM_001145102.2); c.938A>G, p.Asn313Ser (NM_001145103.2); c.485A>G, p.Asn162Ser (NM_001145104.2); short protein forms N357S, N162S, N252S, N313S.
Identifiers: ClinVar variation 213773 (VCV000213773.23), dbSNP rs140880290, ClinGen allele CA061586.

ClinVar aggregate classification (germline): Conflicting classifications of pathogenicity. Review status: criteria provided, conflicting classifications (1 of 4 stars). 7 submissions from 7 submitters: Uncertain significance (6); Likely benign (1). Last evaluated 2025-11-11.

Conditions:
Familial thoracic aortic aneurysm and aortic dissection (TAAD). Also called: Thoracic aortic aneurysms and dissections. Identifiers: Orphanet 91387, MedGen C4707243, MONDO:0019625.
Aneurysm-osteoarthritis syndrome. Also called: LOEYS-DIETZ SYNDROME WITH OSTEOARTHRITIS; SMAD3-Related Loeys-Dietz Syndrome; Loeys-Dietz syndrome, type 1C; ANEURYSMS-OSTEOARTHRITIS SYNDROME. Identifiers: Orphanet 284984, MedGen C3151087, MONDO:0013426, OMIM 613795.

Allele frequency attached by ClinVar (database versions not stated): gnomAD exomes 0.00001; ExAC 0.00002; gnomAD 0.00003; TOPMed 0.00004; ESP Exome Variant Server 0.00008.
gnomAD v4.1: 10 of 1,614,058 alleles (0.00062%); highest among the groups gnomAD compares: African/African-American, 0.004%; no homozygotes.

Submissions (7):

GeneDx
Classification: Uncertain significance. Last evaluated: 2025-11-11. Review status: criteria provided, single submitter. Criteria: GeneDx Variant Classification Process June 2021. Collection method: clinical testing. Allele origin: germline. Affected: yes.
Comment: Has not been previously published as pathogenic or benign to our knowledge; Not observed at significant frequency in large population cohorts (gnomAD); In silico analysis suggests that this missense variant does not alter protein structure/function

Women's Health and Genetics/Laboratory Corporation of America, LabCorp
Classification: Uncertain significance. Last evaluated: 2025-11-05. Review status: criteria provided, single submitter. Criteria: LabCorp Variant Classification Summary - May 2015. Collection method: clinical testing. Allele origin: germline.

Labcorp Genetics (formerly Invitae), Labcorp
Classification: Likely benign for Familial thoracic aortic aneurysm and aortic dissection. Last evaluated: 2025-08-24. Review status: criteria provided, single submitter. Criteria: Invitae Variant Classification Sherloc (09022015). Collection method: clinical testing. Allele origin: germline.

Ambry Genetics
Classification: Uncertain significance for Familial thoracic aortic aneurysm and aortic dissection. Last evaluated: 2025-04-02. Review status: criteria provided, single submitter. Criteria: Ambry Variant Classification Scheme 2023. Collection method: clinical testing. Allele origin: germline.
Comment: The p.N357S variant (also known as c.1070A>G), located in coding exon 8 of the SMAD3 gene, results from an A to G substitution at nucleotide position 1070. The asparagine at codon 357 is replaced by serine, an amino acid with highly similar properties. This amino acid position is highly conserved in available vertebrate species. In addition, the in silico prediction for this alteration is inconclusive. Since supporting evidence is limited at this time, the clinical significance of this alteration remains unclear.

All of Us Research Program, National Institutes of Health
Classification: Uncertain significance for Aneurysm-osteoarthritis syndrome. Last evaluated: 2024-05-14. Review status: criteria provided, single submitter. Criteria: ACMG Guidelines, 2015. Collection method: clinical testing. Allele origin: germline. Inheritance: Autosomal dominant inheritance. Observed: 6 variant alleles, 6 heterozygotes.
Comment: This missense variant replaces asparagine with serine at codon 357 of the SMAD3 protein. Computational prediction suggests that this variant may not impact protein structure and function (internally defined REVEL score threshold <= 0.5, PMID: 27666373). To our knowledge, functional studies have not been reported for this variant. This variant has not been reported in individuals affected with cardiovascular disorders in the literature. This variant has been identified in 2/251496 chromosomes in the general population by the Genome Aggregation Database (gnomAD). The available evidence is insufficient to determine the role of this variant in disease conclusively. Therefore, this variant is classified as a Variant of Uncertain Significance.

This study involves interpretation of variants in research participants for the purpose of population health screening. Participant phenotype was not available at the time of variant classification. Additional details can be found in publication PMID: 35346344, PMCID: PMC8962531

Color Diagnostics, LLC DBA Color Health
Classification: Uncertain significance for Familial thoracic aortic aneurysm and aortic dissection. Last evaluated: 2024-05-02. Review status: criteria provided, single submitter. Criteria: ACMG Guidelines, 2015. Collection method: clinical testing. Allele origin: germline.
Comment: This missense variant replaces asparagine with serine at codon 357 of the SMAD3 protein. Computational prediction tools indicate that this variant has a neutral impact on protein structure and function. To our knowledge, functional studies have not been reported for this variant. This variant has not been reported in individuals affected with SMAD3-related disorders in the literature. This variant has been identified in 2/251496 chromosomes in the general population by the Genome Aggregation Database (gnomAD). The available evidence is insufficient to determine the role of this variant in disease conclusively. Therefore, this variant is classified as a Variant of Uncertain Significance.

Fulgent Genetics
Classification: Uncertain significance for Aneurysm-osteoarthritis syndrome. Last evaluated: 2021-10-25. Review status: criteria provided, single submitter. Criteria: ACMG Guidelines, 2015. Collection method: clinical testing. Allele origin: unknown.